The following is an entry in ClinVar:

NM_004700.4(KCNQ4):c.1232G>A (p.Arg411His)

Gene: KCNQ4 (potassium voltage-gated channel subfamily Q member 4; plus strand). Cytogenetic location: 1p34.2.
Variant type: single nucleotide variant.
Coding change: c.1232G>A on transcript NM_004700.4 (MANE Select); coding-DNA position 1232, G replaced by A.
Protein change: p.Arg411His; replaces arginine 411 with histidine.
Molecular consequence: missense variant. On other transcripts: intron variant (1).
Genome position (GRCh38, 1-based): chr1:40,824,198, G>A. VCF-style: chr1-40824198-G-A. GRCh37 (hg19) VCF-style: chr1-41289870-G-A.
Other names: c.1130+1796G>A (NM_172163.3); c.1232G>A (NM_004700.3); short protein forms R411H.
Identifiers: ClinVar variation 1566888 (VCV001566888.12), dbSNP rs373727071, ClinGen allele CA794808.

ClinVar aggregate classification (germline): Conflicting classifications of pathogenicity. Review status: criteria provided, conflicting classifications (1 of 4 stars). 4 submissions from 4 submitters: Uncertain significance (1); Likely benign (3). Last evaluated 2026-09-01.

Conditions:
Autosomal dominant nonsyndromic hearing loss 2A. Also called: DFNA2 Nonsyndromic Hearing Loss; Deafness, autosomal dominant 2A; Autosomal dominant nonsyndromic deafness 2A. Identifiers: Orphanet 90635, MedGen C2677637, MONDO:0010817, OMIM 600101.
KCNQ4-related disorder. Also called: KCNQ4-related condition.

Allele frequency attached by ClinVar (database versions not stated): TOPMed 0.00001; gnomAD 0.00005; gnomAD exomes 0.00008 and 0.00016; ExAC 0.00044; 1000 Genomes Project 30x 0.00062; 1000 Genomes Project 0.00080.
gnomAD v4.1: 114 of 1,594,698 alleles (0.0071%); highest among the groups gnomAD compares: South Asian, 0.11%; 1 homozygote.

Submissions (4):

CeGaT Center for Human Genetics Tuebingen
Classification: Likely benign. Last evaluated: 2026-09-01. Review status: criteria provided, single submitter. Criteria: CeGaT Center For Human Genetics Tuebingen Variant Classification Criteria Version 2. Collection method: clinical testing. Allele origin: germline. Affected: yes. Observed: 1 variant allele.
Comment: KCNQ4: BS1

PreventionGenetics, part of Exact Sciences
Classification: Likely benign for KCNQ4-related condition. Last evaluated: 2026-07-11. Review status: criteria provided, single submitter. Criteria: ACMG Guidelines, 2015. Collection method: clinical testing. Allele origin: germline.
Comment: This variant is classified as likely benign based on ACMG/AMP sequence variant interpretation guidelines (Richards et al. 2015 PMID: 25741868, with internal and published modifications).

Revvity Omics, Revvity
Classification: Uncertain significance for Autosomal dominant nonsyndromic hearing loss 2A. Last evaluated: 2021-02-15. Review status: criteria provided, single submitter. Criteria: ACMG Guidelines, 2015. Collection method: clinical testing. Allele origin: germline.

Labcorp Genetics (formerly Invitae), Labcorp
Classification: Likely benign. Last evaluated: 2021-01-12. Review status: criteria provided, single submitter. Criteria: Invitae Variant Classification Sherloc (09022015). Collection method: clinical testing. Allele origin: germline.